The following is an entry in ClinVar:

ClinVar aggregate classification (germline): Uncertain significance. Review status: criteria provided, multiple submitters, no conflicts (2 of 4 stars). 2 submissions from 2 submitters: Uncertain significance (2). Last evaluated 2023-11-28.

Conditions:
Muscular dystrophy-dystroglycanopathy (congenital with impaired intellectual development), type B, 2. Also called: MUSCULAR DYSTROPHY, CONGENITAL, POMT2-RELATED; Muscular dystrophy-dystroglycanopathy (congenital with intellectual disability), type B2. Identifiers: MedGen C3150416, MONDO:0013160, OMIM 613156.
Muscular dystrophy-dystroglycanopathy (congenital with brain and eye anomalies), type A2. Also called: MUSCULAR DYSTROPHY-DYSTROGLYCANOPATHY (CONGENITAL WITH BRAIN AND EYE ANOMALIES), TYPE A, 2; WALKER-WARBURG SYNDROME OR MUSCLE-EYE-BRAIN DISEASE, POMT2-RELATED. Identifiers: Orphanet 588, Orphanet 899, MedGen C3150411, MONDO:0013154, OMIM 613150.
Autosomal recessive limb-girdle muscular dystrophy type 2N. Also called: MUSCULAR DYSTROPHY-DYSTROGLYCANOPATHY, LIMB-GIRDLE, POMT2-RELATED; Muscular dystrophy-dystroglycanopathy (limb-girdle), type C, 2. Identifiers: Orphanet 206559, MedGen C3150418, MONDO:0013162, OMIM 613158.

Allele frequency attached by ClinVar (database versions not stated): ExAC 0.00001; gnomAD exomes 0.00001.
gnomAD v4.1: 3 of 1,613,990 alleles (0.00019%); highest among the groups gnomAD compares: Admixed American, 0.005%; no homozygotes.

Submissions (2):

Revvity Omics, Revvity
Classification: Uncertain significance. Last evaluated: 2023-11-28. Review status: criteria provided, single submitter. Criteria: ACMG Guidelines, 2015. Collection method: clinical testing. Allele origin: germline.

Labcorp Genetics (formerly Invitae), Labcorp
Classification: Uncertain significance for Muscular dystrophy-dystroglycanopathy (congenital with impaired intellectual development), type B, 2; Muscular dystrophy-dystroglycanopathy (congenital with brain and eye anomalies), type A2; Autosomal recessive limb-girdle muscular dystrophy type 2N. Last evaluated: 2023-11-27. Review status: criteria provided, single submitter. Criteria: Invitae Variant Classification Sherloc (09022015). Collection method: clinical testing. Allele origin: germline.
Comment: This sequence change replaces alanine, which is neutral and non-polar, with threonine, which is neutral and polar, at codon 616 of the POMT2 protein (p.Ala616Thr). This variant is present in population databases (rs774852161, gnomAD 0.009%). This variant has not been reported in the literature in individuals affected with POMT2-related conditions. ClinVar contains an entry for this variant (Variation ID: 1966577). Advanced modeling of protein sequence and biophysical properties (such as structural, functional, and spatial information, amino acid conservation, physicochemical variation, residue mobility, and thermodynamic stability) performed at Invitae indicates that this missense variant is not expected to disrupt POMT2 protein function with a negative predictive value of 80%. In summary, the available evidence is currently insufficient to determine the role of this variant in disease. Therefore, it has been classified as a Variant of Uncertain Significance.

NM_013382.7(POMT2):c.1846G>A (p.Ala616Thr)

Gene: POMT2 (protein O-mannosyltransferase 2; minus strand). Cytogenetic location: 14q24.3.
Variant type: single nucleotide variant.
Coding change: c.1846G>A on transcript NM_013382.7 (MANE Select); coding-DNA position 1846, G replaced by A.
Protein change: p.Ala616Thr; replaces alanine 616 with threonine.
Molecular consequence: missense variant.
Genome position (GRCh38, 1-based): chr14:77,279,868, C>T on the plus strand (G>A on the coding strand, the complement: POMT2 is on the minus strand). VCF-style: chr14-77279868-C-T. GRCh37 (hg19) VCF-style: chr14-77746211-C-T.
Other names: short protein forms A616T.
Identifiers: ClinVar variation 1966577 (VCV001966577.6), dbSNP rs774852161, ClinGen allele CA7285671.
Genomic context (GRCh38, chr14:77,279,868, plus strand): 5'-CCCAGAGGACCTGACCTGCAACCTCCGCTGGCAGCCGTGCCCCTCTCTGCATGGCTACAG[C>T]AATGATGCTCCCTGAGAGGAGGTAGAGGGCGATGCTCAACAGATTCAGCCACCAAACCAC-3'
Protein context (NP_037514.2, residues 606-626): ALYLLSGSII[Ala616Thr]VAMQRGARLP